The following is an entry in ClinVar:

NM_006371.5(CRTAP):c.*2628G>A

Gene: CRTAP (cartilage associated protein; plus strand). Cytogenetic location: 3p22.3.
Variant type: single nucleotide variant.
Coding change: c.*2628G>A on transcript NM_006371.5 (MANE Select); 2628 bases downstream of the stop codon, G replaced by A.
Molecular consequence: 3 prime UTR variant.
Genome position (GRCh38, 1-based): chr3:33,145,076, G>A. VCF-style: chr3-33145076-G-A. GRCh37 (hg19) VCF-style: chr3-33186568-G-A.
Identifiers: ClinVar variation 899888 (VCV000899888.4), dbSNP rs115744599, ClinGen allele CA72674367.

ClinVar aggregate classification (germline): Benign (1 of 4 stars; one submission).

Conditions:
Osteogenesis imperfecta type 7 (OI7). Also called: OSTEOGENESIS IMPERFECTA, TYPE IIB; Osteogenesis imperfecta type 2B; OI type 2B; Osteogenesis imperfecta, perinatal lethal autosomal recessive; OI type IIB; OI type 7. Identifiers: MedGen C1853162, MONDO:0012536, OMIM 610682.

Allele frequency attached by ClinVar (database versions not stated): 1000 Genomes Project 0.00719; 1000 Genomes Project 30x 0.00828; TOPMed 0.00962.

Submission:

Illumina Laboratory Services, Illumina
Classification: Benign for Osteogenesis imperfecta type 7. Last evaluated: 2018-01-13. Review status: criteria provided, single submitter. Criteria: ICSL Variant Classification Criteria 13 December 2019. Collection method: clinical testing. Allele origin: germline.
Comment: This variant was observed in the ICSL laboratory as part of a predisposition screen in an ostensibly healthy population. It had not been previously curated by ICSL or reported in the Human Gene Mutation Database (HGMD: prior to June 1st, 2018), and was therefore a candidate for classification through an automated scoring system. Utilizing variant allele frequency, disease prevalence and penetrance estimates, and inheritance mode, an automated score was calculated to assess if this variant is too frequent to cause the disease. Based on the score and internal cut-off values, a variant classified as benign is not then subjected to further curation. The score for this variant resulted in a classification of benign for this disease.